The following is an entry in ClinVar:

ClinVar aggregate classification (germline): Pathogenic/Likely pathogenic. Review status: criteria provided, multiple submitters, no conflicts (2 of 4 stars). 2 submissions from 2 submitters: Pathogenic (1); Likely pathogenic (1). Last evaluated 2025-06-19.

Conditions:
Primary ciliary dyskinesia. Also called: Ciliary dyskinesia. Identifiers: Orphanet 244, MedGen C0008780, MONDO:0016575, HP:0012265.

Submissions (2):

Labcorp Genetics (formerly Invitae), Labcorp
Classification: Pathogenic for Primary ciliary dyskinesia. Last evaluated: 2025-06-19. Review status: criteria provided, single submitter. Criteria: Invitae Variant Classification Sherloc (09022015). Collection method: clinical testing. Allele origin: germline.
Comment: This sequence change creates a premature translational stop signal (p.Glu843*) in the RPGR (ORF15) gene. While this is not anticipated to result in nonsense mediated decay, it is expected to disrupt the last 310 amino acid(s) of the RPGR (ORF15) protein. The frequency data for this variant in the population databases is considered unreliable, as metrics indicate insufficient coverage at this position in the gnomAD database. This variant has not been reported in the literature in individuals affected with RPGR (ORF15)-related conditions. ClinVar contains an entry for this variant (Variation ID: 1802324). This variant disrupts a region of the RPGR (ORF15) protein in which other variant(s) (p.Leu1130*) have been determined to be pathogenic (internal data). This suggests that this is a clinically significant region of the protein, and that variants that disrupt it are likely to be disease-causing. For these reasons, this variant has been classified as Pathogenic.

PreventionGenetics, part of Exact Sciences
Classification: Likely pathogenic. Last evaluated: 2021-10-15. Review status: criteria provided, single submitter. Criteria: ACMG Guidelines, 2015. Collection method: clinical testing. Allele origin: germline.

NM_001034853.2(RPGR):c.2527G>T (p.Glu843Ter)

Gene: RPGR (retinitis pigmentosa GTPase regulator; minus strand). Cytogenetic location: Xp11.4.
Variant type: single nucleotide variant.
Coding change: c.2527G>T on transcript NM_001034853.2 (MANE Select); coding-DNA position 2527, G replaced by T.
Protein change: p.Glu843Ter; replaces glutamic acid 843 with a stop codon.
Molecular consequence: nonsense. On other transcripts: intron variant (8).
Genome position (GRCh38, 1-based): chrX:38,286,472, C>A on the plus strand (G>T on the coding strand, the complement: RPGR is on the minus strand). VCF-style: chrX-38286472-C-A. GRCh37 (hg19) VCF-style: chrX-38145725-C-A.
Other names: c.1569+4487G>T (NM_001367249.1, NM_001367250.1); c.1902+622G>T (NM_001367245.1); c.1386+4487G>T (NM_001367251.1); c.1719+622G>T (NM_001367246.1); c.1572+4487G>T (NM_001367247.1); c.1905+622G>T (NM_000328.3); c.1602+4487G>T (NM_001367248.1); short protein forms E843*.
Identifiers: ClinVar variation 1802324 (VCV001802324.3), dbSNP rs2519790060, ClinGen allele CA412730433.